The following is an entry in ClinVar:

ClinVar aggregate classification (germline): Uncertain significance (1 of 4 stars; one submission).

Conditions:
Inborn genetic diseases. Identifiers: MedGen C0950123, MeSH D030342.

gnomAD v4.1: 35 of 1,613,052 alleles (0.0022%); highest among the groups gnomAD compares: South Asian, 0.012%; no homozygotes.

Submission:

Ambry Genetics
Classification: Uncertain significance for Inborn genetic diseases. Last evaluated: 2025-12-15. Review status: criteria provided, single submitter. Criteria: Ambry Variant Classification Scheme 2023. Collection method: clinical testing. Allele origin: germline.
Comment: The c.1934A>G (p.Q645R) alteration is located in exon 15 (coding exon 15) of the ATP6V0A2 gene. This alteration results from a A to G substitution at nucleotide position 1934, causing the glutamine (Q) at amino acid position 645 to be replaced by an arginine (R). Based on data from gnomAD, the G allele has an overall frequency of 0.002% (4/251386) total alleles studied. The highest observed frequency was 0.004% (4/113744) of European (non-Finnish) alleles. Based on insufficient or conflicting evidence, the clinical significance of this alteration remains unclear.

NM_012463.4(ATP6V0A2):c.1934A>G (p.Gln645Arg)

Genes: ATP6V0A2 (ATPase H+ transporting V0 subunit a2; plus strand), LOC126861666 (CDK7 strongly-dependent group 2 enhancer GRCh37_chr12:124232793-124233992; plus strand). Cytogenetic location: 12q24.31.
Variant type: single nucleotide variant.
Coding change: c.1934A>G on transcript NM_012463.4 (MANE Select); coding-DNA position 1934, A replaced by G.
Protein change: p.Gln645Arg; replaces glutamine 645 with arginine.
Molecular consequence: missense variant.
Genome position (GRCh38, 1-based): chr12:123,748,784, A>G. VCF-style: chr12-123748784-A-G. GRCh37 (hg19) VCF-style: chr12-124233331-A-G.
Other names: short protein forms Q645R.
Identifiers: ClinVar variation 4831174 (VCV004831174.1).